The following is an entry in ClinVar:

NM_000070.3(CAPN3):c.172G>A (p.Glu58Lys)

Gene: CAPN3 (calpain 3; plus strand). Cytogenetic location: 15q15.1.
Variant type: single nucleotide variant.
Coding change: c.172G>A on transcript NM_000070.3 (MANE Select); coding-DNA position 172, G replaced by A.
Protein change: p.Glu58Lys; replaces glutamic acid 58 with lysine.
Molecular consequence: missense variant.
Genome position (GRCh38, 1-based): chr15:42,359,977, G>A. VCF-style: chr15-42359977-G-A. GRCh37 (hg19) VCF-style: chr15-42652175-G-A.
Other names: c.172G>A, p.Glu58Lys (NM_024344.2, NM_173087.2); short protein forms E58K.
Identifiers: ClinVar variation 1315385 (VCV001315385.2), dbSNP rs750022600, ClinGen allele CA391994633.

ClinVar aggregate classification (germline): Uncertain significance (1 of 4 stars; one submission).

Submission:

GeneDx
Classification: Uncertain significance. Last evaluated: 2020-02-12. Review status: criteria provided, single submitter. Criteria: GeneDx Variant Classification Process June 2021. Collection method: clinical testing. Allele origin: germline. Affected: yes.
Comment: Not observed in large population cohorts (Lek et al., 2016); In silico analysis supports that this missense variant does not alter protein structure/function; Has not been previously published as pathogenic or benign to our knowledge